The following is an entry in ClinVar:

NM_007294.4(BRCA1):c.548-18T>G

Gene: BRCA1 (BRCA1 DNA repair associated; minus strand). Cytogenetic location: 17q21.31.
Variant type: single nucleotide variant.
Coding change: c.548-18T>G on transcript NM_007294.4 (MANE Select); 18 bases into the intron before coding-DNA position 548, T replaced by G.
Molecular consequence: intron variant.
Genome position (GRCh38, 1-based): chr17:43,097,307, A>C on the plus strand (T>G on the coding strand, the complement: BRCA1 is on the minus strand). VCF-style: chr17-43097307-A-C. GRCh37 (hg19) VCF-style: chr17-41249324-A-C.
Other names: p.?; IVS8-18T>G; c.407-2447T>G (NM_001407927.1, NM_001407923.1, NM_001407922.1 and 15 more transcripts); c.407-18T>G (NM_001407739.1, NM_001407725.1, NM_001407727.1 and 43 more transcripts); c.548-18T>G (NM_001408422.1, NM_001408418.1, NM_001407981.1 and 58 more transcripts); c.335-18T>G (NM_001407896.1, NM_001407571.1, NM_001407917.1 and 12 more transcripts); c.338-18T>G (NM_001407900.1, NM_001408484.1, NM_001408478.1 and 27 more transcripts); c.338-2447T>G (NM_001407952.1, NM_001407950.1, NM_001407948.1 and 7 more transcripts); and 19 more.
Identifiers: ClinVar variation 37676 (VCV000037676.28), dbSNP rs397507251, ClinGen allele CA003650.

ClinVar aggregate classification (germline): Likely benign. Review status: criteria provided, multiple submitters, no conflicts (2 of 4 stars). 8 submissions from 8 submitters: Likely benign (6). 2 of the submissions do not count toward it. Last evaluated 2025-11-25.

Conditions:
Hereditary cancer-predisposing syndrome. Also called: Tumor predisposition; Neoplastic Syndromes, Hereditary; Hereditary Cancer Syndrome; Hereditary neoplastic syndrome. Identifiers: Orphanet 140162, MedGen C0027672, MeSH D009386, MONDO:0015356.
Hereditary breast ovarian cancer syndrome. Also called: Hereditary breast and ovarian cancer syndrome (HBOC); Hereditary breast and ovarian cancer syndrome; Hereditary breast and ovarian cancer; Hereditary breast and/or ovarian cancer syndrome; Breast and ovarian cancer; BRCA1- and BRCA2-Associated Hereditary Breast and Ovarian Cancer. Identifiers: Orphanet 145, MedGen C0677776, MeSH D061325, MONDO:0003582. Disease mechanism: loss of function.
Breast-ovarian cancer, familial, susceptibility to, 1 (BROVCA1). Also called: OVARIAN CANCER, SUSCEPTIBILITY TO; BRCA1 Hereditary Breast and Ovarian Cancer. Identifiers: Orphanet 145, MedGen C2676676, MONDO:0011450, OMIM 604370. Disease mechanism: loss of function.

Allele frequency attached by ClinVar (database versions not stated): gnomAD 0.00001; TOPMed 0.00001; gnomAD exomes 0.00002.
gnomAD v4.1: 32 of 1,605,130 alleles (0.002%); highest among the groups gnomAD compares: Non-Finnish European, 0.0026%; no homozygotes.

Submissions (9):

Labcorp Genetics (formerly Invitae), Labcorp
Classification: Likely benign for Hereditary breast ovarian cancer syndrome. Last evaluated: 2025-11-25. Review status: criteria provided, single submitter. Criteria: Invitae Variant Classification Sherloc (09022015). Collection method: clinical testing. Allele origin: germline.

Mayo Clinic Laboratories, Mayo Clinic
Classification: Likely benign. Last evaluated: 2025-04-29. Review status: criteria provided, single submitter. Criteria: ACMG Guidelines, 2015. Collection method: clinical testing. Allele origin: germline. Observed: 1 variant allele.
Comment: BP4, BP7

Women's Health and Genetics/Laboratory Corporation of America, LabCorp
Classification: Likely benign. Last evaluated: 2021-05-01. Review status: criteria provided, single submitter. Criteria: LabCorp Variant Classification Summary - May 2015. Collection method: clinical testing. Allele origin: germline.
Comment: Variant summary: BRCA1 c.548-18T>G alters a non-conserved nucleotide located close to a canonical splice site and therefore could affect mRNA splicing, leading to a significantly altered protein sequence. 5/5 computational tools predict no significant impact on normal splicing. However, these predictions have yet to be confirmed by functional studies. The variant allele was found at a frequency of 2e-05 in 249704 control chromosomes. The available data on variant occurrences in the general population are insufficient to allow any conclusion about variant significance. To our knowledge, no occurrence of c.548-18T>G in individuals affected with Hereditary Breast And Ovarian Cancer Syndrome and no experimental evidence demonstrating its impact on protein function have been reported. Five clinical diagnostic laboratories have submitted clinical-significance assessments for this variant to ClinVar after 2014 without evidence for independent evaluation. All laboratories classified the variant as likely benign. Based on the evidence outlined above, the variant was classified as likely benign.

Color Diagnostics, LLC DBA Color Health
Classification: Likely benign for Hereditary cancer-predisposing syndrome. Last evaluated: 2017-03-20. Review status: criteria provided, single submitter. Criteria: ACMG Guidelines, 2015. Collection method: clinical testing. Allele origin: germline.

ARUP Laboratories, Molecular Genetics and Genomics, ARUP Laboratories
Classification: Likely benign. Last evaluated: 2017-01-14. Review status: criteria provided, single submitter. Criteria: ARUP Molecular Germline Variant Investigation Process. Collection method: clinical testing. Allele origin: germline.

GeneDx
Classification: Likely benign. Last evaluated: 2015-10-29. Review status: criteria provided, single submitter. Criteria: GeneDx Variant Classification (06012015). Collection method: clinical testing. Allele origin: germline. Affected: yes.
Comment: This variant is considered likely benign or benign based on one or more of the following criteria: it is a conservative change, it occurs at a poorly conserved position in the protein, it is predicted to be benign by multiple in silico algorithms, and/or has population frequency not consistent with disease.

Counsyl
Classification: Likely benign for Breast-ovarian cancer, familial, susceptibility to, 1. Last evaluated: 2016-09-15. Review status: no assertion criteria provided. Collection method: clinical testing. Allele origin: unknown. Not counted in ClinVar's aggregate classification.

Sharing Clinical Reports Project (SCRP)
Classification: Uncertain significance for Breast-ovarian cancer, familial 1. Last evaluated: 2007-12-12. Review status: no assertion criteria provided. Collection method: clinical testing. Allele origin: germline. Not counted in ClinVar's aggregate classification.

Dr. Peter K. Rogan Lab, Western University
No classification provided (evidence only). Condition: Sarcoma. Review status: no classification provided. Collection method: in vitro. Allele origin: not applicable. Functional consequence: retained intron. Not counted in ClinVar's aggregate classification.